The following is an entry in ClinVar:

ClinVar aggregate classification (germline): Uncertain significance. Review status: criteria provided, multiple submitters, no conflicts (2 of 4 stars). 3 submissions from 3 submitters: Uncertain significance (2). 1 of the submissions does not count toward it. Last evaluated 2026-05-13.

Conditions:
PCDH15-related disorder. Also called: PCDH15-related condition; PCDH15-related disorders.
Usher syndrome type 1F (USH1F). Also called: USHER SYNDROME, TYPE IF. Identifiers: Orphanet 231169, Orphanet 886, MedGen C1865885, MONDO:0011186, OMIM 602083.

Allele frequency attached by ClinVar (database versions not stated): gnomAD exomes 0.00001; TOPMed 0.00001; ExAC 0.00001; gnomAD 0.00002.
gnomAD v4.1: 16 of 1,613,634 alleles (0.00099%); highest among the groups gnomAD compares: Admixed American, 0.01%; no homozygotes.

Submissions (3):

PreventionGenetics, part of Exact Sciences
Classification: Uncertain significance for PCDH15-related condition. Last evaluated: 2026-05-13. Review status: criteria provided, single submitter. Criteria: ACMG Guidelines, 2015. Collection method: clinical testing. Allele origin: germline.
Comment: The PCDH15 c.4988T>C variant is predicted to result in the amino acid substitution p.Val1663Ala. In an alternative transcript (NM_001142772) this variant is described as c.4865T>C, which is predicted to result in the amino acid substitution p.Val1622Ala. However, this variant is post-coding in the canonical transcript (NM_033056:c.*15110T>C) and the biologically relevant transcript for hearing loss (NM_001142769:c.*1944T>C). This variant was reported in the homozygous state in an individual with Usher syndrome (as p.Val1627Ala in NM_001142771.2, Licastro et al. 2012. PubMed ID: 22952768). This variant is reported in 0.0085% of alleles in individuals of Latino descent in gnomAD. At this time, the clinical significance of this variant is uncertain due to the absence of conclusive functional and genetic evidence.

Broad Center for Mendelian Genomics, Broad Institute of MIT and Harvard
Classification: Uncertain significance for Usher syndrome type 1F. Last evaluated: 2023-01-24. Review status: criteria provided, single submitter. Criteria: ACMG Guidelines, 2015. Collection method: curation. Allele origin: germline. Inheritance: Autosomal recessive inheritance.
Comment: The p.Val1685Ala variant in PCDH15 has been reported in 1 individual, in the homozygous state, with Usher syndrome type 1F (PMID: 22952768) and has been identified in 0.008% (3/35362) of Latino/Admixed American chromosomes by the Genome Aggregation Database (gnomAD; dbSNP ID: rs140716525). Although this variant has been seen in the general population in a heterozygous state, its frequency is low enough to be consistent with a recessive carrier frequency. This variant has also been reported in ClinVar (Variation ID#: 554592) and has been interpreted as a variant of uncertain significance by Counsyl. Computational prediction tools, including splice predictors, and conservation analyses suggest that this variant may not impact the protein, though this information is not predictive enough to rule out pathogenicity. In summary, the clinical significance of the p.Val1685Ala variant is uncertain. ACMG/AMP Criteria applied: PM2_supporting, PM3_supporting, BP4 (Richards 2015).

Counsyl
Classification: Uncertain significance for Usher syndrome type 1F. Last evaluated: 2017-10-26. Review status: no assertion criteria provided. Collection method: clinical testing. Allele origin: unknown. Not counted in ClinVar's aggregate classification.

Literature cited by the submitters: PubMed 22952768 (cited by Counsyl).

NM_001384140.1(PCDH15):c.5054T>C (p.Val1685Ala)

Gene: PCDH15 (protocadherin related 15; minus strand). Cytogenetic location: 10q21.1.
Variant type: single nucleotide variant.
Coding change: c.5054T>C on transcript NM_001384140.1 (MANE Select); coding-DNA position 5054, T replaced by C.
Protein change: p.Val1685Ala; replaces valine 1685 with alanine.
Molecular consequence: missense variant.
Genome position (GRCh38, 1-based): chr10:53,806,748, A>G on the plus strand (T>C on the coding strand, the complement: PCDH15 is on the minus strand). VCF-style: chr10-53806748-A-G. GRCh37 (hg19) VCF-style: chr10-55566508-A-G.
Other names: NM_001384140.1(PCDH15):c.5054T>C; p.Val1685Ala; c.4880T>C, p.Val1627Ala (NM_001142771.2); c.4865T>C, p.Val1622Ala (NM_001142772.2); c.4859T>C, p.Val1620Ala (NM_001354420.2); c.4988T>C, p.Val1663Ala (NM_001354429.2); short protein forms V1627A, V1620A, V1622A, V1663A, V1685A.
Identifiers: ClinVar variation 554592 (VCV000554592.6), dbSNP rs755487351, ClinGen allele CA5504529.